The following is an entry in ClinVar:

ClinVar aggregate classification (germline): Pathogenic (1 of 4 stars; one submission).

Conditions:
Hereditary spastic paraplegia 15 (SPG15). Also called: SPASTIC PARAPLEGIA 15, AUTOSOMAL RECESSIVE; KJELLIN SYNDROME; SPASTIC PARAPLEGIA AND RETINAL DEGENERATION. Identifiers: Orphanet 100996, MedGen C1849128, MONDO:0010044, OMIM 270700.

Submission:

Myriad Genetics, Inc.
Classification: Pathogenic for Hereditary spastic paraplegia 15. Last evaluated: 2024-08-09. Review status: criteria provided, single submitter. Criteria: Myriad Autosomal Dominant, Autosomal Recessive and X-Linked Classification Criteria (2023). Collection method: clinical testing. Allele origin: unknown.
Comment: NM_015346.3(ZFYVE26):c.3010delG(E1004Kfs*7) is expected to be pathogenic in the context of spastic paraplegia type 15. This variant is predicted to lead to an abnormal or absent protein product due to the creation of a premature termination codon in ZFYVE26, a gene where loss-of-function variants are known to be pathogenic. Please note: this variant was assessed in the context of healthy population screening.

NM_015346.4(ZFYVE26):c.3010del (p.Glu1004fs)

Gene: ZFYVE26 (zinc finger FYVE-type containing 26; minus strand). Cytogenetic location: 14q24.1.
Variant type: Deletion.
Coding change: c.3010del on transcript NM_015346.4 (MANE Select); coding-DNA position 3010, one base deleted (G; older notation c.3010delG).
Protein change: p.Glu1004fs; shifts the reading frame from glutamic acid 1004.
Molecular consequence: frameshift variant.
Genome position (GRCh38, 1-based): chr14:67,789,344, C deleted on the plus strand (G on the coding strand, the reverse complement: ZFYVE26 is on the minus strand). VCF-style (leftmost placement, unchanged base first): chr14-67789343-TC-T. GRCh37 (hg19) VCF-style: chr14-68256060-TC-T.
Other names: short protein forms E1004fs.
Identifiers: ClinVar variation 5013434 (VCV005013434.1).
Genomic context (GRCh38, chr14:67,789,343, plus strand): 5'-GAAACCCATCTCATTTGAGAATGAAGGGATACAGCTAACACAGCACACTCACCCCGCCTT[TC>T]AAGGCTACTATTCAAACGCCGTTCGGCTGTCTCCAAAAGCTGCTTGCAGGTTTTCCAGAG-3'